The following is an entry in ClinVar:

NM_000722.4(CACNA2D1):c.2102A>G (p.Asn701Ser)

Gene: CACNA2D1 (calcium voltage-gated channel auxiliary subunit alpha2delta 1; minus strand). Cytogenetic location: 7q21.11.
Variant type: single nucleotide variant.
Coding change: c.2102A>G on transcript NM_000722.4 (MANE Select); coding-DNA position 2102, A replaced by G.
Protein change: p.Asn701Ser; replaces asparagine 701 with serine.
Molecular consequence: missense variant.
Genome position (GRCh38, 1-based): chr7:81,971,816, T>C on the plus strand (A>G on the coding strand, the complement: CACNA2D1 is on the minus strand). VCF-style: chr7-81971816-T-C. GRCh37 (hg19) VCF-style: chr7-81601132-T-C.
Other names: c.2138A>G, p.Asn713Ser (NM_001366867.1); short protein forms N701S, N713S.
Identifiers: ClinVar variation 3232257 (VCV003232257.1), dbSNP rs2484628796, ClinGen allele CA367891620.

ClinVar aggregate classification (germline): Uncertain significance (1 of 4 stars; one submission).

Conditions:
Cardiovascular phenotype. Identifiers: MedGen CN230736.

Submission:

Ambry Genetics
Classification: Uncertain significance for Cardiovascular phenotype. Last evaluated: 2024-03-04. Review status: criteria provided, single submitter. Criteria: Ambry Variant Classification Scheme 2023. Collection method: clinical testing. Allele origin: germline.
Comment: The p.N701S variant (also known as c.2102A>G), located in coding exon 26 of the CACNA2D1 gene, results from an A to G substitution at nucleotide position 2102. The asparagine at codon 701 is replaced by serine, an amino acid with highly similar properties. This amino acid position is conserved. In addition, this alteration is predicted to be tolerated by in silico analysis. Based on the available evidence, the clinical significance of this alteration remains unclear.